The following is an entry in ClinVar:

NM_001270.4(CHD1):c.560A>G (p.Lys187Arg)

Gene: CHD1 (chromodomain helicase DNA binding protein 1; minus strand). Cytogenetic location: 5q21.1.
Variant type: single nucleotide variant.
Coding change: c.560A>G on transcript NM_001270.4 (MANE Select); coding-DNA position 560, A replaced by G.
Protein change: p.Lys187Arg; replaces lysine 187 with arginine.
Molecular consequence: missense variant. On other transcripts: non-coding transcript variant (2).
Genome position (GRCh38, 1-based): chr5:98,901,213, T>C on the plus strand (A>G on the coding strand, the complement: CHD1 is on the minus strand). VCF-style: chr5-98901213-T-C. GRCh37 (hg19) VCF-style: chr5-98236917-T-C.
Other names: c.560A>G, p.Lys187Arg (NM_001364113.3, NM_001376194.2); short protein forms K187R.
Identifiers: ClinVar variation 1309986 (VCV001309986.3), dbSNP rs2112525016, ClinGen allele CA360522222.

ClinVar aggregate classification (germline): Uncertain significance (1 of 4 stars; one submission).

Submission:

GeneDx
Classification: Uncertain significance. Last evaluated: 2025-05-15. Review status: criteria provided, single submitter. Criteria: GeneDx Variant Classification Process June 2021. Collection method: clinical testing. Allele origin: germline. Affected: yes.
Comment: Not observed at significant frequency in large population cohorts (gnomAD); In silico analysis suggests that this missense variant does not alter protein structure/function; Has not been previously published as pathogenic or benign to our knowledge